The following is an entry in ClinVar:

ClinVar aggregate classification (germline): Uncertain significance (1 of 4 stars; one submission).

Conditions:
Hereditary cancer-predisposing syndrome. Also called: Tumor predisposition; Neoplastic Syndromes, Hereditary; Hereditary Cancer Syndrome; Hereditary neoplastic syndrome. Identifiers: Orphanet 140162, MedGen C0027672, MeSH D009386, MONDO:0015356.

Submission:

Ambry Genetics
Classification: Uncertain significance for Hereditary cancer-predisposing syndrome. Last evaluated: 2025-02-02. Review status: criteria provided, single submitter. Criteria: Ambry Variant Classification Scheme 2023. Collection method: clinical testing. Allele origin: germline.
Comment: The p.Q1114L variant (also known as c.3341A>T), located in coding exon 12 of the PALB2 gene, results from an A to T substitution at nucleotide position 3341. The glutamine at codon 1114 is replaced by leucine, an amino acid with dissimilar properties. This amino acid position is conserved. In addition, this alteration is predicted to be tolerated by in silico analysis. Based on the available evidence, the clinical significance of this variant remains unclear.

NM_024675.4(PALB2):c.3341A>T (p.Gln1114Leu)

Gene: PALB2 (partner and localizer of BRCA2; minus strand). Cytogenetic location: 16p12.2.
Variant type: single nucleotide variant.
Coding change: c.3341A>T on transcript NM_024675.4 (MANE Select); coding-DNA position 3341, A replaced by T.
Protein change: p.Gln1114Leu; replaces glutamine 1114 with leucine.
Molecular consequence: missense variant. On other transcripts: intron variant (8).
Genome position (GRCh38, 1-based): chr16:23,607,873, T>A on the plus strand (A>T on the coding strand, the complement: PALB2 is on the minus strand). VCF-style: chr16-23607873-T-A. GRCh37 (hg19) VCF-style: chr16-23619194-T-A.
Other names: c.3281A>T, p.Gln1094Leu (NM_001407296.1); c.3269A>T, p.Gln1090Leu (NM_001407297.1); c.3179A>T, p.Gln1060Leu (NM_001407298.1); c.3062A>T, p.Gln1021Leu (NM_001407300.1); c.2456A>T, p.Gln819Leu (NM_001407304.1, NM_001407305.1, NM_001407306.1); c.2294A>T, p.Gln765Leu (NM_001407307.1); c.1553A>T, p.Gln518Leu (NM_001407312.1); c.875A>T, p.Gln292Leu (NM_001407314.1); and 6 more; short protein forms Q1060L, Q1094L, Q1114L, Q1090L, Q518L, Q765L, Q1021L, Q292L.
Identifiers: ClinVar variation 3885219 (VCV003885219.1).
Genomic context (GRCh38, chr16:23,607,873, plus strand): 5'-CAGTGCCTTTCAGAATGTCCCACCCATAGAGTAGCAGTTATGCACACTTGCCTGCCAGCC[T>A]GCCCTGGAGGAAGACAGTACAGCATCACACCCACGCTGAGAGTCGTCTTAGGGTTAATCA-3'
Protein context (NP_078951.2, residues 1104-1124): GVMLYCLPPG[Gln1114Leu]AGRFLEGDVK